The following is an entry in ClinVar:

NM_001164405.2(BHLHA9):c.475A>G (p.Ser159Gly)

Gene: BHLHA9 (basic helix-loop-helix family member a9; plus strand). Cytogenetic location: 17p13.3.
Variant type: single nucleotide variant.
Coding change: c.475A>G on transcript NM_001164405.2 (MANE Select); coding-DNA position 475, A replaced by G.
Protein change: p.Ser159Gly; replaces serine 159 with glycine.
Molecular consequence: missense variant.
Genome position (GRCh38, 1-based): chr17:1,271,038, A>G. VCF-style: chr17-1271038-A-G. GRCh37 (hg19) VCF-style: chr17-1174332-A-G.
Other names: short protein forms S159G.
Identifiers: ClinVar variation 1202456 (VCV001202456.14), dbSNP rs1008519083, ClinGen allele CA286779111.

ClinVar aggregate classification (germline): Conflicting classifications of pathogenicity. Review status: criteria provided, conflicting classifications (1 of 4 stars). 5 submissions from 5 submitters: Uncertain significance (3); Likely benign (1). 1 of the submissions does not count toward it. Last evaluated 2026-01-04.

Conditions:
Mesoaxial synostotic syndactyly with phalangeal reduction. Identifiers: Orphanet 157801, MedGen C1836206, MONDO:0012271, OMIM 609432.
BHLHA9-related disorder. Also called: BHLHA9-related condition.

Allele frequency attached by ClinVar (database versions not stated): 1000 Genomes Project 30x 0.00062; gnomAD 0.00154 and 0.00156; TOPMed 0.00173; gnomAD exomes 0.00291 and 0.00305.
gnomAD v4.1: 3,235 of 1,186,132 alleles (0.27%); highest among the groups gnomAD compares: Non-Finnish European, 0.31%; 7 homozygotes.

Submissions (5):

Labcorp Genetics (formerly Invitae), Labcorp
Classification: Uncertain significance. Last evaluated: 2026-01-04. Review status: criteria provided, single submitter. Criteria: Invitae Variant Classification Sherloc (09022015). Collection method: clinical testing. Allele origin: germline.
Comment: This sequence change replaces serine, which is neutral and polar, with glycine, which is neutral and non-polar, at codon 159 of the BHLHA9 protein (p.Ser159Gly). The frequency data for this variant in the population databases is considered unreliable, as metrics indicate poor data quality at this position in the gnomAD database. This variant has not been reported in the literature in individuals affected with BHLHA9-related conditions. ClinVar contains an entry for this variant (Variation ID: 1202456). An algorithm developed to predict the effect of missense changes on protein structure and function outputs the following: PolyPhen-2: "Benign". The glycine amino acid residue is found in multiple mammalian species, which suggests that this missense change does not adversely affect protein function. In summary, the available evidence is currently insufficient to determine the role of this variant in disease. Therefore, it has been classified as a Variant of Uncertain Significance.

Blueprint Genetics
Classification: Likely benign. Last evaluated: 2024-11-22. Review status: criteria provided, single submitter. Criteria: ACMG Guidelines, 2015. Collection method: clinical testing. Allele origin: germline.

Department of Pathology and Laboratory Medicine, Sinai Health System
Classification: Uncertain significance for mesoaxial synostotic syndactyly with phalangeal reduction. Last evaluated: 2023-02-06. Review status: criteria provided, single submitter. Criteria: ACMG Guidelines, 2015. Collection method: research. Allele origin: germline.

GeneDx
Classification: Uncertain significance. Last evaluated: 2020-07-20. Review status: criteria provided, single submitter. Criteria: GeneDx Variant Classification Process June 2021. Collection method: clinical testing. Allele origin: germline. Affected: yes.
Comment: In silico analysis, which includes protein predictors and evolutionary conservation, supports that this variant does not alter protein structure/function; Has not been previously published as pathogenic or benign to our knowledge

PreventionGenetics, part of Exact Sciences
Classification: Likely benign for BHLHA9-related condition. Last evaluated: 2024-03-29. Review status: no assertion criteria provided. Collection method: clinical testing. Allele origin: germline. Not counted in ClinVar's aggregate classification.
Comment: This variant is classified as likely benign based on ACMG/AMP sequence variant interpretation guidelines (Richards et al. 2015 PMID: 25741868, with internal and published modifications).